The following is an entry in ClinVar:

ClinVar aggregate classification (germline): Uncertain significance (1 of 4 stars; one submission).

Conditions:
Hereditary cancer-predisposing syndrome. Also called: Tumor predisposition; Neoplastic Syndromes, Hereditary; Hereditary neoplastic syndrome; Hereditary Cancer Syndrome. Identifiers: Orphanet 140162, MedGen C0027672, MeSH D009386, MONDO:0015356.

Submission:

Ambry Genetics
Classification: Uncertain significance for Hereditary cancer-predisposing syndrome. Last evaluated: 2025-08-27. Review status: criteria provided, single submitter. Criteria: Ambry Variant Classification Scheme 2023. Collection method: clinical testing. Allele origin: germline.
Comment: The p.T336N variant (also known as c.1007C>A), located in coding exon 12 of the MUTYH gene, results from a C to A substitution at nucleotide position 1007. The threonine at codon 336 is replaced by asparagine, an amino acid with similar properties. This amino acid position is conserved. In addition, this alteration is predicted to be tolerated by in silico analysis. Based on the available evidence, the clinical significance of this variant remains unclear.

NM_001048174.2(MUTYH):c.923C>A (p.Thr308Asn)

Gene: MUTYH (mutY DNA glycosylase; minus strand). Cytogenetic location: 1p34.1.
Variant type: single nucleotide variant.
Coding change: c.923C>A on transcript NM_001048174.2 (MANE Select); coding-DNA position 923, C replaced by A.
Protein change: p.Thr308Asn; replaces threonine 308 with asparagine.
Molecular consequence: missense variant. On other transcripts: non-coding transcript variant (7).
Genome position (GRCh38, 1-based): chr1:45,331,840, G>T on the plus strand (C>A on the coding strand, the complement: MUTYH is on the minus strand). VCF-style: chr1-45331840-G-T. GRCh37 (hg19) VCF-style: chr1-45797512-G-T.
Other names: c.926C>A, p.Thr309Asn (NM_001048172.2, NM_001407086.1, NM_001407078.1 and 1 more transcripts); c.923C>A, p.Thr308Asn (NM_001048173.2, NM_001293195.2, NM_001407088.1 and 6 more transcripts); c.1007C>A, p.Thr336Asn (NM_001128425.2); c.968C>A, p.Thr323Asn (NM_001293190.2); c.956C>A, p.Thr319Asn (NM_001293191.2, NM_001407069.1, NM_001407077.1); c.647C>A, p.Thr216Asn (NM_001293192.2, NM_001293196.2, NM_001407091.1); c.578C>A, p.Thr193Asn (NM_001350650.2, NM_001350651.2, NM_001407082.1); c.965C>A, p.Thr322Asn (NM_001407085.1, NM_001407083.1); and 5 more; short protein forms T216N, T294N, T319N, T323N, T193N, T295N, T315N, T280N.
Identifiers: ClinVar variation 4112915 (VCV004112915.1).